The following is an entry in ClinVar:

NM_172107.4(KCNQ2):c.1512G>A (p.Arg504=)

Gene: KCNQ2 (potassium voltage-gated channel subfamily Q member 2; minus strand). Cytogenetic location: 20q13.33.
Variant type: single nucleotide variant.
Coding change: c.1512G>A on transcript NM_172107.4 (MANE Select); coding-DNA position 1512, G replaced by A.
Protein change: p.Arg504=; no amino-acid change (arginine 504 retained).
Molecular consequence: synonymous variant.
Genome position (GRCh38, 1-based): chr20:63,414,916, C>T on the plus strand (G>A on the coding strand, the complement: KCNQ2 is on the minus strand). VCF-style: chr20-63414916-C-T. GRCh37 (hg19) VCF-style: chr20-62046269-C-T.
Other names: c.1428G>A, p.Arg476= (NM_004518.6); c.1458G>A, p.Arg486= (NM_172106.3); c.1422G>A, p.Arg474= (NM_172108.5).
Identifiers: ClinVar variation 389063 (VCV000389063.55), dbSNP rs750635636, ClinGen allele CA9958444.

ClinVar aggregate classification (germline): Likely benign. Review status: criteria provided, multiple submitters, no conflicts (2 of 4 stars). 5 submissions from 5 submitters: Likely benign (5). Last evaluated 2025-02-23.

Conditions:
Early-infantile DEE. Also called: Early infantile epileptic encephalopathy; Ohtahara syndrome; Early infantile epileptic encephalopathy with suppression bursts. Identifiers: Orphanet 1934, MedGen C0393706, MONDO:0800491.
Inborn genetic diseases. Identifiers: MedGen C0950123, MeSH D030342.

Allele frequency attached by ClinVar (database versions not stated): gnomAD 0.00001; gnomAD exomes 0.00001 and 0.00002; TOPMed 0.00001; ExAC 0.00002.
gnomAD v4.1: 22 of 1,612,470 alleles (0.0014%); highest among the groups gnomAD compares: East Asian, 0.0045%; no homozygotes.

Submissions (5):

Labcorp Genetics (formerly Invitae), Labcorp
Classification: Likely benign for Early-infantile DEE. Last evaluated: 2025-02-23. Review status: criteria provided, single submitter. Criteria: Invitae Variant Classification Sherloc (09022015). Collection method: clinical testing. Allele origin: germline.

CeGaT Center for Human Genetics Tuebingen
Classification: Likely benign. Last evaluated: 2024-07-01. Review status: criteria provided, single submitter. Criteria: CeGaT Center For Human Genetics Tuebingen Variant Classification Criteria Version 2. Collection method: clinical testing. Allele origin: germline. Affected: yes. Observed: 2 variant alleles.
Comment: KCNQ2: BP4, BP7

Blueprint Genetics
Classification: Likely benign. Last evaluated: 2023-07-17. Review status: criteria provided, single submitter. Criteria: ACMG Guidelines, 2015. Collection method: clinical testing. Allele origin: germline.

Ambry Genetics
Classification: Likely benign for Inborn genetic diseases. Last evaluated: 2019-05-04. Review status: criteria provided, single submitter. Criteria: Ambry Variant Classification Scheme 2023. Collection method: clinical testing. Allele origin: germline.

GeneDx
Classification: Likely benign. Last evaluated: 2016-09-08. Review status: criteria provided, single submitter. Criteria: GeneDx Variant Classification (06012015). Collection method: clinical testing. Allele origin: germline. Affected: yes.
Comment: This variant is considered likely benign or benign based on one or more of the following criteria: it is a conservative change, it occurs at a poorly conserved position in the protein, it is predicted to be benign by multiple in silico algorithms, and/or has population frequency not consistent with disease.